The following is an entry in ClinVar:

ClinVar aggregate classification (germline): Uncertain significance (1 of 4 stars; one submission).

Submission:

Mayo Clinic Laboratories, Mayo Clinic
Classification: Uncertain significance. Last evaluated: 2023-10-31. Review status: criteria provided, single submitter. Criteria: ACMG Guidelines, 2015. Collection method: clinical testing. Allele origin: germline. Observed: 1 variant allele.
Comment: PM2, PVS1_moderate

NM_014244.5(ADAMTS2):c.3517dup (p.Glu1173fs)

Gene: ADAMTS2 (ADAM metallopeptidase with thrombospondin type 1 motif 2; minus strand). Cytogenetic location: 5q35.3.
Variant type: Duplication.
Coding change: c.3517dup on transcript NM_014244.5 (MANE Select); coding-DNA position 3517, one base duplicated (G; older notation c.3517dupG).
Protein change: p.Glu1173fs; shifts the reading frame from glutamic acid 1173.
Molecular consequence: frameshift variant.
Genome position (GRCh38, 1-based): chr5:179,113,986, C duplicated on the plus strand (G on the coding strand, the reverse complement: ADAMTS2 is on the minus strand). VCF-style (leftmost placement, unchanged base first): chr5-179113985-T-TC. GRCh37 (hg19) VCF-style: chr5-178540986-T-TC.
Other names: p.Glu1173Glyfs*16; short protein forms E1173fs.
Identifiers: ClinVar variation 3379623 (VCV003379623.1).